The following is an entry in ClinVar:

ClinVar aggregate classification (germline): Likely benign (1 of 4 stars; one submission).

gnomAD v4.1: 16 of 1,613,728 alleles (0.00099%); highest among the groups gnomAD compares: Non-Finnish European, 0.0014%; no homozygotes.

Submission:

CeGaT Center for Human Genetics Tuebingen
Classification: Likely benign. Last evaluated: 2026-07-01. Review status: criteria provided, single submitter. Criteria: CeGaT Center For Human Genetics Tuebingen Variant Classification Criteria Version 2. Collection method: clinical testing. Allele origin: germline. Affected: yes. Observed: 1 variant allele.
Comment: VIPAS39: BP4, BP7

NM_001193315.2(VIPAS39):c.144T>C (p.Asp48=)

Gene: VIPAS39 (VPS33B interacting protein, apical-basolateral polarity regulator, spe-39 homolog; minus strand). Cytogenetic location: 14q24.3.
Variant type: single nucleotide variant.
Coding change: c.144T>C on transcript NM_001193315.2 (MANE Select); coding-DNA position 144, T replaced by C.
Protein change: p.Asp48=; no amino-acid change (aspartic acid 48 retained).
Molecular consequence: synonymous variant. On other transcripts: non-coding transcript variant (1).
Genome position (GRCh38, 1-based): chr14:77,453,351, A>G on the plus strand (T>C on the coding strand, the complement: VIPAS39 is on the minus strand). VCF-style: chr14-77453351-A-G. GRCh37 (hg19) VCF-style: chr14-77919694-A-G.
Other names: c.144T>C, p.Asp48= (NM_001193314.2, NM_001193316.2, NM_001193317.2 and 15 more transcripts).
Identifiers: ClinVar variation 5038629 (VCV005038629.1).